The following is an entry in ClinVar:

NM_203447.4(DOCK8):c.761G>A (p.Arg254His)

Gene: DOCK8 (dedicator of cytokinesis 8; plus strand). Cytogenetic location: 9p24.3.
Variant type: single nucleotide variant.
Coding change: c.761G>A on transcript NM_203447.4 (MANE Select); coding-DNA position 761, G replaced by A.
Protein change: p.Arg254His; replaces arginine 254 with histidine.
Molecular consequence: missense variant.
Genome position (GRCh38, 1-based): chr9:317,062, G>A. VCF-style: chr9-317062-G-A. GRCh37 (hg19) VCF-style: chr9-317062-G-A.
Other names: c.557G>A, p.Arg186His (NM_001190458.2, NM_001193536.2); short protein forms R186H, R254H.
Identifiers: ClinVar variation 1062871 (VCV001062871.8), dbSNP rs748909379, ClinGen allele CA4957446.
Genomic context (GRCh38, chr9:317,062, plus strand): 5'-AGAATTCACTAATGATTTCCTTACGATGTGATTAAAAATAGGAGGATGCTGTGGAAATAC[G>A]TCCAGTACCAGAATGTCCCAAGGAACACCTGGGCAACAGAATATTGGTCAAGTTGCTGAC-3'
Protein context (NP_982272.2, residues 244-264): SVDEEDAVEI[Arg254His]PVPECPKEHL

ClinVar aggregate classification (germline): Uncertain significance (1 of 4 stars; one submission).

Allele frequency attached by ClinVar (database versions not stated): ExAC 0.00013; TOPMed 0.00002; gnomAD 0.00004 and 0.00005; gnomAD exomes 0.00012.
gnomAD v4.1: 45 of 1,613,790 alleles (0.0028%); highest among the groups gnomAD compares: East Asian, 0.082%; 1 homozygote.

Submission:

Labcorp Genetics (formerly Invitae), Labcorp
Classification: Uncertain significance for Combined immunodeficiency due to DOCK8 deficiency. Last evaluated: 2024-02-17. Review status: criteria provided, single submitter. Criteria: Invitae Variant Classification Sherloc (09022015). Collection method: clinical testing. Allele origin: germline.
Comment: This sequence change replaces arginine, which is basic and polar, with histidine, which is basic and polar, at codon 254 of the DOCK8 protein (p.Arg254His). This variant is present in population databases (rs748909379, gnomAD 0.2%), including at least one homozygous and/or hemizygous individual. This variant has not been reported in the literature in individuals affected with DOCK8-related conditions. ClinVar contains an entry for this variant (Variation ID: 1062871). Advanced modeling of protein sequence and biophysical properties (such as structural, functional, and spatial information, amino acid conservation, physicochemical variation, residue mobility, and thermodynamic stability) has been performed at Invitae for this missense variant, however the output from this modeling did not meet the statistical confidence thresholds required to predict the impact of this variant on DOCK8 protein function. In summary, the available evidence is currently insufficient to determine the role of this variant in disease. Therefore, it has been classified as a Variant of Uncertain Significance.